The following is an entry in ClinVar:

NM_001134407.3(GRIN2A):c.1841A>G (p.Asn614Ser)

Gene: GRIN2A (glutamate ionotropic receptor NMDA type subunit 2A; minus strand). Cytogenetic location: 16p13.2.
Variant type: single nucleotide variant.
Coding change: c.1841A>G on transcript NM_001134407.3 (MANE Select); coding-DNA position 1841, A replaced by G.
Protein change: p.Asn614Ser; replaces asparagine 614 with serine.
Molecular consequence: missense variant.
Genome position (GRCh38, 1-based): chr16:9,829,589, T>C on the plus strand (A>G on the coding strand, the complement: GRIN2A is on the minus strand). VCF-style: chr16-9829589-T-C. GRCh37 (hg19) VCF-style: chr16-9923446-T-C.
Other names: c.1841A>G, p.Asn614Ser (NM_000833.5, NM_001134408.2); short protein forms N614S.
Identifiers: ClinVar variation 224990 (VCV000224990.14), dbSNP rs869312916, ClinGen allele CA358154.
Genomic context (GRCh38, chr16:9,829,589, plus strand): 5'-CATACAGATACCATGATCTTGCTGGTGGTCCCTTTAGGATTCTGGACAGGCACGGAGTTA[T>C]TGAACACCAGGCCCCAAAGAAGCCATATAGCTTTTCCAATTGTAAAAGAAGGCCCATGGG-3'
Protein context (NP_001127879.1, residues 604-624): AIWLLWGLVF[Asn614Ser]NSVPVQNPKG

ClinVar aggregate classification (germline): Pathogenic/Likely pathogenic. Review status: criteria provided, multiple submitters, no conflicts (2 of 4 stars). 5 submissions from 5 submitters: Pathogenic (3); Likely pathogenic (2). Last evaluated 2025-04-18.

Conditions:
GRIN2A-related complex neurodevelopmental disorder. Also called: GRIN2A-related disorder; GRIN2A-related condition. Identifiers: MedGen CN379781, MONDO:1060139.
Inborn genetic diseases. Identifiers: MedGen C0950123, MeSH D030342.
Landau-Kleffner syndrome (FESD). Also called: APHASIA, ACQUIRED, WITH EPILEPSY; EPILEPSY, FOCAL, WITH SPEECH DISORDER AND WITH OR WITHOUT MENTAL RETARDATION. Identifiers: Orphanet 1945, Orphanet 725, Orphanet 98818, MedGen C0282512, MONDO:0009509, OMIM 245570.

Submissions (5):

3billion
Classification: Likely pathogenic for GRIN2A-related disorder. Last evaluated: 2025-04-18. Review status: criteria provided, single submitter. Criteria: ACMG Guidelines, 2015. Collection method: clinical testing. Allele origin: germline. Affected: yes.

Labcorp Genetics (formerly Invitae), Labcorp
Classification: Pathogenic for Landau-Kleffner syndrome. Last evaluated: 2022-03-18. Review status: criteria provided, single submitter. Criteria: Invitae Variant Classification Sherloc (09022015). Collection method: clinical testing. Allele origin: germline.
Comment: This sequence change replaces asparagine, which is neutral and polar, with serine, which is neutral and polar, at codon 614 of the GRIN2A protein (p.Asn614Ser). This variant is not present in population databases (gnomAD no frequency). This missense change has been observed in individual(s) with clinical features of GRIN2A-related conditions (PMID: 25356970, 28109652, 30544257). In at least one individual the variant was observed to be de novo. ClinVar contains an entry for this variant (Variation ID: 224990). Advanced modeling of protein sequence and biophysical properties (such as structural, functional, and spatial information, amino acid conservation, physicochemical variation, residue mobility, and thermodynamic stability) performed at Invitae indicates that this missense variant is expected to disrupt GRIN2A protein function. Experimental studies have shown that this missense change affects GRIN2A function (PMID: 31429998). For these reasons, this variant has been classified as Pathogenic.

Ambry Genetics
Classification: Pathogenic for Inborn genetic diseases. Last evaluated: 2020-03-04. Review status: criteria provided, single submitter. Criteria: Ambry Variant Classification Scheme 2023. Collection method: clinical testing. Allele origin: germline.
Comment: The p.N614S pathogenic mutation (also known as c.1841A>G), located in coding exon 8 of the GRIN2A gene, results from an A to G substitution at nucleotide position 1841. The asparagine at codon 614 is replaced by serine, an amino acid with highly similar properties. This variant has been determined to be the result of a de novo mutation or germline mosaicism in one family with an isolated case of developmental delay (Farwell KD et al. Genet. Med., 2015 Jul;17:578-86). In addition, this mutation has been detected as de novo occurrences in four additional individuals who all had severe intellectual disability/developmental delay. Other symptoms in some, but not all of these individuals included epilepsy, hypotonia, ataxia, and hand stereotypies (von St&uuml;lpnagel C et al. Eur. J. Paediatr. Neurol., 2017 May;21:530-541; M&oslash;ller RS et al. Mol Syndromol, 2016 Sep;7:210-219; Strehlow V et al. Brain, 2019 01;142:80-92). In one functional study, authors evaluated the receptor cell surface expression, pharmacological properties, and biophysical characteristics of this alteration and found reduced proton sensitivity compared to wild type receptors, reduced current amplitude to prolonged application of glutamate and glycine, and showed a significant reduction of surfacetototal protein level, which reflects receptor trafficking efficiency (Li J et al. Hum. Mutat., 2019 12;40:2393-2413). Based on the supporting evidence, this alteration is interpreted as a disease-causing mutation.

Baylor Genetics
Classification: Pathogenic for Landau-Kleffner syndrome. Last evaluated: 2019-09-13. Review status: criteria provided, single submitter. Criteria: ACMG Guidelines, 2015. Collection method: clinical testing. Allele origin: de novo. Affected: yes.
Comment: This variant was determined to be pathogenic according to ACMG Guidelines, 2015 [PMID:25741868]. This variant has been previously reported multiple times both in the literature and internally as disease-causing [PMID: 25356970, ClinVar ID: 224990]

Institute of Human Genetics, University of Leipzig Medical Center
Classification: Likely pathogenic for Landau-Kleffner syndrome. Last evaluated: 2019-01-01. Review status: criteria provided, single submitter. Criteria: ACMG Guidelines, 2015. Collection method: research. Allele origin: de novo. Affected: yes.

Literature cited by the submitters: PubMed 25356970 (cited by 4 submitters); PubMed 28109652 (cited by Labcorp Genetics (formerly Invitae), Labcorp and Ambry Genetics); PubMed 30544257 (cited by 3 submitters); PubMed 31429998 (cited by Labcorp Genetics (formerly Invitae), Labcorp and Ambry Genetics); PubMed 27781031 (cited by Ambry Genetics); PubMed 29124671 (cited by Ambry Genetics).